The following is an entry in ClinVar:

ClinVar aggregate classification (germline): Uncertain significance. Review status: criteria provided, multiple submitters, no conflicts (2 of 4 stars). 2 submissions from 2 submitters: Uncertain significance (2). Last evaluated 2023-10-06.

Conditions:
Charcot-Marie-Tooth disease axonal type 2O. Also called: CHARCOT-MARIE-TOOTH NEUROPATHY, AXONAL, TYPE 2O; CHARCOT-MARIE-TOOTH DISEASE, AXONAL, AUTOSOMAL DOMINANT, TYPE 2O; Charcot-Marie-Tooth Neuropathy Type 2O; Charcot-Marie-Tooth disease, axonal, type 20. Identifiers: Orphanet 284232, MedGen C3280220, MONDO:0013644, OMIM 614228.

gnomAD v4.1: 1 of 1,596,256 alleles (0.000063%); highest among the groups gnomAD compares: Non-Finnish European, 0.000085%; no homozygotes.

Submissions (2):

GeneDx
Classification: Uncertain significance. Last evaluated: 2023-10-06. Review status: criteria provided, single submitter. Criteria: GeneDx Variant Classification Process June 2021. Collection method: clinical testing. Allele origin: germline. Affected: yes.
Comment: Not observed at significant frequency in large population cohorts (gnomAD); In silico analysis supports that this missense variant does not alter protein structure/function; Has not been previously published as pathogenic or benign to our knowledge

Labcorp Genetics (formerly Invitae), Labcorp
Classification: Uncertain significance for Charcot-Marie-Tooth disease axonal type 2O. Last evaluated: 2021-02-11. Review status: criteria provided, single submitter. Criteria: Invitae Variant Classification Sherloc (09022015). Collection method: clinical testing. Allele origin: germline.
Comment: Advanced modeling of protein sequence and biophysical properties (such as structural, functional, and spatial information, amino acid conservation, physicochemical variation, residue mobility, and thermodynamic stability) performed at Invitae indicates that this missense variant is not expected to disrupt DYNC1H1 protein function. This variant has not been reported in the literature in individuals with DYNC1H1-related conditions. This variant is not present in population databases (ExAC no frequency). This sequence change replaces glycine with arginine at codon 12 of the DYNC1H1 protein (p.Gly12Arg). The glycine residue is weakly conserved and there is a moderate physicochemical difference between glycine and arginine. In summary, the available evidence is currently insufficient to determine the role of this variant in disease. Therefore, it has been classified as a Variant of Uncertain Significance.

NM_001376.5(DYNC1H1):c.34G>C (p.Gly12Arg)

Gene: DYNC1H1 (dynein cytoplasmic 1 heavy chain 1; plus strand). Cytogenetic location: 14q32.31.
Variant type: single nucleotide variant.
Coding change: c.34G>C on transcript NM_001376.5 (MANE Select); coding-DNA position 34, G replaced by C.
Protein change: p.Gly12Arg; replaces glycine 12 with arginine.
Molecular consequence: missense variant.
Genome position (GRCh38, 1-based): chr14:101,964,725, G>C. VCF-style: chr14-101964725-G-C. GRCh37 (hg19) VCF-style: chr14-102431062-G-C.
Other names: c.34G>C (NM_001376.4); short protein forms G12R.
Identifiers: ClinVar variation 1413393 (VCV001413393.9), dbSNP rs2047643021, ClinGen allele CA391002991.